The following is an entry in ClinVar:

ClinVar aggregate classification (germline): Uncertain significance (1 of 4 stars; one submission).

Submission:

Dasa
Classification: Uncertain significance. Last evaluated: 2025-09-08. Review status: criteria provided, single submitter. Criteria: DASA Assertion Criteria. Collection method: clinical testing. Allele origin: germline.
Comment: NM_001357.5(DHX9):c.62A>G (p.Tyr21Cys) is a missense variant that results in the substitution of tyrosine with cysteine. This variant is absent from population databases. Computational prediction algorithms are consistent with a deleterious effect. The currently available literature and clinical evidence are not sufficient to establish a definitive association between this variant and the reported condition. Therefore, this variant is classified as a variant of uncertain significance.

NM_001357.5(DHX9):c.62A>G (p.Tyr21Cys)

Gene: DHX9 (DExH-box helicase 9; plus strand). Cytogenetic location: 1q25.3.
Variant type: single nucleotide variant.
Coding change: c.62A>G on transcript NM_001357.5 (MANE Select); coding-DNA position 62, A replaced by G.
Protein change: p.Tyr21Cys; replaces tyrosine 21 with cysteine.
Molecular consequence: missense variant. On other transcripts: non-coding transcript variant (1).
Genome position (GRCh38, 1-based): chr1:182,842,628, A>G. VCF-style: chr1-182842628-A-G. GRCh37 (hg19) VCF-style: chr1-182811763-A-G.
Other names: short protein forms Y21C.
Identifiers: ClinVar variation 5020870 (VCV005020870.1).